The following is an entry in ClinVar:

NM_182920.2(ADAMTS9):c.2834G>A (p.Ser945Asn)

Gene: ADAMTS9 (ADAM metallopeptidase with thrombospondin type 1 motif 9; minus strand). Cytogenetic location: 3p14.1.
Variant type: single nucleotide variant.
Coding change: c.2834G>A on transcript NM_182920.2 (MANE Select); coding-DNA position 2834, G replaced by A.
Protein change: p.Ser945Asn; replaces serine 945 with asparagine.
Molecular consequence: missense variant.
Genome position (GRCh38, 1-based): chr3:64,616,150, C>T on the plus strand (G>A on the coding strand, the complement: ADAMTS9 is on the minus strand). VCF-style: chr3-64616150-C-T. GRCh37 (hg19) VCF-style: chr3-64601826-C-T.
Other names: c.2750G>A, p.Ser917Asn (NM_001318781.2); c.2834G>A (NM_182920.1); short protein forms S945N, S917N.
Identifiers: ClinVar variation 1904440 (VCV001904440.6), dbSNP rs755409182, ClinGen allele CA2481050.

ClinVar aggregate classification (germline): Uncertain significance. Review status: criteria provided, multiple submitters, no conflicts (2 of 4 stars). 2 submissions from 2 submitters: Uncertain significance (2). Last evaluated 2025-01-24.

Allele frequency attached by ClinVar (database versions not stated): ExAC 0.00001; gnomAD exomes 0.00001; TOPMed 0.00001; gnomAD 0.00004.
gnomAD v4.1: 17 of 1,613,964 alleles (0.0011%); highest among the groups gnomAD compares: Middle Eastern, 0.016%; no homozygotes.

Submissions (2):

Ambry Genetics
Classification: Uncertain significance. Last evaluated: 2025-01-24. Review status: criteria provided, single submitter. Criteria: Ambry Variant Classification Scheme 2023. Collection method: clinical testing. Allele origin: germline.

Labcorp Genetics (formerly Invitae), Labcorp
Classification: Uncertain significance. Last evaluated: 2022-08-16. Review status: criteria provided, single submitter. Criteria: Invitae Variant Classification Sherloc (09022015). Collection method: clinical testing. Allele origin: germline.
Comment: This variant has not been reported in the literature in individuals affected with ADAMTS9-related conditions. This variant is present in population databases (rs755409182, gnomAD 0.002%). This sequence change replaces serine, which is neutral and polar, with asparagine, which is neutral and polar, at codon 945 of the ADAMTS9 protein (p.Ser945Asn). Algorithms developed to predict the effect of missense changes on protein structure and function (SIFT, PolyPhen-2, Align-GVGD) all suggest that this variant is likely to be disruptive. In summary, the available evidence is currently insufficient to determine the role of this variant in disease. Therefore, it has been classified as a Variant of Uncertain Significance.